The following is an entry in ClinVar:

ClinVar aggregate classification (germline): Benign/Likely benign. Review status: criteria provided, multiple submitters, no conflicts (2 of 4 stars). 9 submissions from 9 submitters: Benign (2); Likely benign (6). 1 of the submissions does not count toward it. Last evaluated 2026-08-01.

Conditions:
Nemaline myopathy 2 (NEM2). Also called: Nemaline myopathy 2, autosomal recessive. Identifiers: MedGen C1850569, MONDO:0009725, OMIM 256030.

Allele frequency attached by ClinVar (database versions not stated): gnomAD 0.00023 and 0.00035; TOPMed 0.00047; gnomAD exomes 0.00070; ExAC 0.00080; 1000 Genomes Project 30x 0.00156; 1000 Genomes Project 0.00160.
gnomAD v4.1: 451 of 1,613,862 alleles (0.028%); highest among the groups gnomAD compares: East Asian, 0.95%; 4 homozygotes.

Submissions (9):

CeGaT Center for Human Genetics Tuebingen
Classification: Likely benign. Last evaluated: 2026-08-01. Review status: criteria provided, single submitter. Criteria: CeGaT Center For Human Genetics Tuebingen Variant Classification Criteria Version 2. Collection method: clinical testing. Allele origin: germline. Affected: yes. Observed: 1 variant allele.
Comment: NEB: BP4, BP7

Labcorp Genetics (formerly Invitae), Labcorp
Classification: Benign for Nemaline myopathy 2. Last evaluated: 2026-01-26. Review status: criteria provided, single submitter. Criteria: Invitae Variant Classification Sherloc (09022015). Collection method: clinical testing. Allele origin: germline.

Laboratory of Genetics, Children's Clinical University Hospital Latvia
Classification: Likely benign. Last evaluated: 2025-02-16. Review status: criteria provided, single submitter. Criteria: ACMG Guidelines, 2015. Collection method: clinical testing. Allele origin: germline. Affected: yes.

Blueprint Genetics
Classification: Likely benign. Last evaluated: 2024-09-17. Review status: criteria provided, single submitter. Criteria: ACMG Guidelines, 2015. Collection method: clinical testing. Allele origin: germline.

GeneDx
Classification: Likely benign. Last evaluated: 2020-06-25. Review status: criteria provided, single submitter. Criteria: GeneDx Variant Classification Process June 2021. Collection method: clinical testing. Allele origin: germline. Affected: yes.

Illumina Laboratory Services, Illumina
Classification: Likely benign for Nemaline myopathy 2. Last evaluated: 2018-01-12. Review status: criteria provided, single submitter. Criteria: ICSL Variant Classification Criteria 13 December 2019. Collection method: clinical testing. Allele origin: germline.
Comment: This variant was observed in the ICSL laboratory as part of a predisposition screen in an ostensibly healthy population. It had not been previously curated by ICSL or reported in the Human Gene Mutation Database (HGMD: prior to June 1st, 2018), and was therefore a candidate for classification through an automated scoring system. Utilizing variant allele frequency, disease prevalence and penetrance estimates, and inheritance mode, an automated score was calculated to assess if this variant is too frequent to cause the disease. Based on the score and internal cut-off values, a variant classified as likely benign is not then subjected to further curation. The score for this variant resulted in a classification of likely benign for this disease.

Eurofins Ntd Llc (ga)
Classification: Benign. Last evaluated: 2014-11-20. Review status: criteria provided, single submitter. Criteria: EGL Classification Definitions 2015. Collection method: clinical testing. Allele origin: germline. Observed: 1 variant allele, 1 heterozygote.

Breakthrough Genomics
Classification: Likely benign. Review status: criteria provided, single submitter. Criteria: ACMG Guidelines, 2015. Collection method: not provided. Allele origin: germline. Inheritance: Autosomal recessive inheritance. Affected: yes.

Natera, Inc.
Classification: Likely benign for Nemaline myopathy type 2. Last evaluated: 2020-06-05. Review status: no assertion criteria provided. Collection method: clinical testing. Allele origin: germline. Not counted in ClinVar's aggregate classification.

NM_001164508.2(NEB):c.2343G>A (p.Lys781=)

Gene: NEB (nebulin; minus strand). Cytogenetic location: 2q23.3.
Variant type: single nucleotide variant.
Coding change: c.2343G>A on transcript NM_001164508.2 (MANE Select); coding-DNA position 2343, G replaced by A.
Protein change: p.Lys781=; no amino-acid change (lysine 781 retained).
Molecular consequence: synonymous variant.
Genome position (GRCh38, 1-based): chr2:151,688,364, C>T on the plus strand (G>A on the coding strand, the complement: NEB is on the minus strand). VCF-style: chr2-151688364-C-T. GRCh37 (hg19) VCF-style: chr2-152544878-C-T.
Other names: c.2343G>A, p.Lys781= (NM_001164507.2, NM_001271208.2, NM_004543.5).
Identifiers: ClinVar variation 195882 (VCV000195882.28), dbSNP rs191610670, ClinGen allele CA201993.
Genomic context (GRCh38, chr2:151,688,364, plus strand): 5'-ATAGGCATTGACTCTGTGTTGGATAAACTGTGGAGCATCTGCTGGTATATGGCACTTGAA[C>T]TTCTCACCTTCATGTTTTGCTTTGTAATTCAGCTGAAAAACAAAGGATATTTGAACGGTT-3'
Protein context (NP_001157980.2, residues 771-791): LNYKAKHEGE[Lys781=]FKCHIPADAP